The following is an entry in ClinVar:

ClinVar aggregate classification (germline): Uncertain significance (1 of 4 stars; one submission).

Submission:

Ambry Genetics
Classification: Uncertain significance. Last evaluated: 2021-10-21. Review status: criteria provided, single submitter. Criteria: Ambry Variant Classification Scheme 2023. Collection method: clinical testing. Allele origin: germline.
Comment: The p.L68F variant (also known as c.202C>T), located in coding exon 1 of the MNDA gene, results from a C to T substitution at nucleotide position 202. The leucine at codon 68 is replaced by phenylalanine, an amino acid with highly similar properties. This amino acid position is conserved. In addition, this alteration is predicted to be tolerated by in silico analysis. Since supporting evidence is limited at this time, the clinical significance of this alteration remains unclear.

NM_002432.3(MNDA):c.202C>T (p.Leu68Phe)

Gene: MNDA (myeloid cell nuclear differentiation antigen; plus strand). Cytogenetic location: 1q23.1.
Variant type: single nucleotide variant.
Coding change: c.202C>T on transcript NM_002432.3 (MANE Select); coding-DNA position 202, C replaced by T.
Protein change: p.Leu68Phe; replaces leucine 68 with phenylalanine.
Molecular consequence: missense variant.
Genome position (GRCh38, 1-based): chr1:158,842,355, C>T. VCF-style: chr1-158842355-C-T. GRCh37 (hg19) VCF-style: chr1-158812145-C-T.
Other names: short protein forms L68F.
Identifiers: ClinVar variation 1784733 (VCV001784733.2), dbSNP rs2526075452, ClinGen allele CA343037023.